The following is an entry in ClinVar:

ClinVar aggregate classification (germline): Uncertain significance (1 of 4 stars; one submission).

Conditions:
Hypokalemic periodic paralysis, type 1. Also called: HypoPP; Hypokalemic Periodic Paralysis Type 1 (AD). Identifiers: Orphanet 681, MedGen C3714580, MONDO:0042979, OMIM 170400.
Malignant hyperthermia, susceptibility to, 5 (MHS5). Also called: CACNA1S-Related Malignant Hyperthermia Susceptibility. Identifiers: Orphanet 423, MedGen C1866077, MONDO:0011163, OMIM 601887.

Allele frequency attached by ClinVar (database versions not stated): gnomAD exomes below 0.00001.
gnomAD v4.1: 1 of 1,614,216 alleles (0.000062%); highest among the groups gnomAD compares: Non-Finnish European, 0.000085%; no homozygotes.

Submission:

Labcorp Genetics (formerly Invitae), Labcorp
Classification: Uncertain significance for Hypokalemic periodic paralysis, type 1; Malignant hyperthermia, susceptibility to, 5. Last evaluated: 2022-03-18. Review status: criteria provided, single submitter. Criteria: Invitae Variant Classification Sherloc (09022015). Collection method: clinical testing. Allele origin: germline.
Comment: This variant is not present in population databases (gnomAD no frequency). This sequence change replaces aspartic acid, which is acidic and polar, with asparagine, which is neutral and polar, at codon 115 of the CACNA1S protein (p.Asp115Asn). This variant has not been reported in the literature in individuals affected with CACNA1S-related conditions. Advanced modeling of protein sequence and biophysical properties (such as structural, functional, and spatial information, amino acid conservation, physicochemical variation, residue mobility, and thermodynamic stability) performed at Invitae indicates that this missense variant is not expected to disrupt CACNA1S protein function. In summary, the available evidence is currently insufficient to determine the role of this variant in disease. Therefore, it has been classified as a Variant of Uncertain Significance.

NM_000069.3(CACNA1S):c.343G>A (p.Asp115Asn)

Gene: CACNA1S (calcium voltage-gated channel subunit alpha1 S; minus strand). Cytogenetic location: 1q32.1.
Variant type: single nucleotide variant.
Coding change: c.343G>A on transcript NM_000069.3 (MANE Select); coding-DNA position 343, G replaced by A.
Protein change: p.Asp115Asn; replaces aspartic acid 115 with asparagine.
Molecular consequence: missense variant.
Genome position (GRCh38, 1-based): chr1:201,093,937, C>T on the plus strand (G>A on the coding strand, the complement: CACNA1S is on the minus strand). VCF-style: chr1-201093937-C-T. GRCh37 (hg19) VCF-style: chr1-201063065-C-T.
Other names: short protein forms D115N.
Identifiers: ClinVar variation 1512959 (VCV001512959.8), dbSNP rs1341944901, ClinGen allele CA344144899.